The following is an entry in ClinVar:

NM_002025.4(AFF2):c.3031A>G (p.Thr1011Ala)

Gene: AFF2 (ALF transcription elongation factor 2; plus strand). Cytogenetic location: Xq28.
Variant type: single nucleotide variant.
Coding change: c.3031A>G on transcript NM_002025.4 (MANE Select); coding-DNA position 3031, A replaced by G.
Protein change: p.Thr1011Ala; replaces threonine 1011 with alanine.
Molecular consequence: missense variant.
Genome position (GRCh38, 1-based): chrX:148,966,907, A>G. VCF-style: chrX-148966907-A-G. GRCh37 (hg19) VCF-style: chrX-148048437-A-G.
Other names: c.2926A>G, p.Thr976Ala (NM_001169122.2, NM_001169124.2); c.3001A>G, p.Thr1001Ala (NM_001169123.2); c.2914A>G, p.Thr972Ala (NM_001169125.2); c.1954A>G, p.Thr652Ala (NM_001170628.1); short protein forms T972A, T976A, T1001A, T1011A, T652A.
Identifiers: ClinVar variation 5017502 (VCV005017502.1).
Genomic context (GRCh38, chrX:148,966,907, plus strand): 5'-ATTGCCACTGCTACTGTCACTGCTACTGCCATTGTCACCACCACTGTCACAGCTACTGCC[A>G]CCGCCACGGCCACCACCACAACTACTACCACTACCATTTCCACCATCACCTCTACCATCA-3'
Protein context (NP_002016.2, residues 1001-1021): IVTTTVTATA[Thr1011Ala]ATATTTTTTT

ClinVar aggregate classification (germline): Uncertain significance (1 of 4 stars; one submission).

Submission:

GeneDx
Classification: Uncertain significance. Last evaluated: 2026-03-27. Review status: criteria provided, single submitter. Criteria: GeneDx Variant Classification Process June 2021. Collection method: clinical testing. Allele origin: germline.
Comment: Not observed at significant frequency in large population cohorts (gnomAD); In silico analysis suggests that this missense variant does not alter protein structure/function; Has not been previously published as pathogenic or benign to our knowledge